The following is an entry in ClinVar:

ClinVar aggregate classification (germline): Uncertain significance (1 of 4 stars; one submission).

Allele frequency attached by ClinVar (database versions not stated): ExAC 0.00002.

Submission:

Labcorp Genetics (formerly Invitae), Labcorp
Classification: Uncertain significance. Last evaluated: 2022-02-18. Review status: criteria provided, single submitter. Criteria: Invitae Variant Classification Sherloc (09022015). Collection method: clinical testing. Allele origin: germline.
Comment: This sequence change replaces alanine, which is neutral and non-polar, with serine, which is neutral and polar, at codon 229 of the MESP2 protein (p.Ala229Ser). This variant is present in population databases (rs752325364, gnomAD 0.01%). This variant has not been reported in the literature in individuals affected with MESP2-related conditions. Algorithms developed to predict the effect of missense changes on protein structure and function (SIFT, PolyPhen-2, Align-GVGD) all suggest that this variant is likely to be tolerated. In summary, the available evidence is currently insufficient to determine the role of this variant in disease. Therefore, it has been classified as a Variant of Uncertain Significance.

NM_001039958.2(MESP2):c.685G>T (p.Ala229Ser)

Gene: MESP2 (mesoderm posterior bHLH transcription factor 2; plus strand). Cytogenetic location: 15q26.1.
Variant type: single nucleotide variant.
Coding change: c.685G>T on transcript NM_001039958.2 (MANE Select); coding-DNA position 685, G replaced by T.
Protein change: p.Ala229Ser; replaces alanine 229 with serine.
Molecular consequence: missense variant.
Genome position (GRCh38, 1-based): chr15:89,777,042, G>T. VCF-style: chr15-89777042-G-T. GRCh37 (hg19) VCF-style: chr15-90320273-G-T.
Other names: short protein forms A229S.
Identifiers: ClinVar variation 2182583 (VCV002182583.1), dbSNP rs752325364, ClinGen allele CA7730486.